The following is an entry in ClinVar:

ClinVar aggregate classification (germline): Uncertain significance (1 of 4 stars; one submission).

Conditions:
Charcot-Marie-Tooth disease axonal type 2O. Also called: Charcot-Marie-Tooth Neuropathy Type 2O; Charcot-Marie-Tooth disease, axonal, type 20; CHARCOT-MARIE-TOOTH NEUROPATHY, AXONAL, TYPE 2O; CHARCOT-MARIE-TOOTH DISEASE, AXONAL, AUTOSOMAL DOMINANT, TYPE 2O. Identifiers: Orphanet 284232, MedGen C3280220, MONDO:0013644, OMIM 614228.

Allele frequency attached by ClinVar (database versions not stated): gnomAD exomes below 0.00001; TOPMed below 0.00001; gnomAD 0.00001; ExAC 0.00002.
gnomAD v4.1: 5 of 1,614,080 alleles (0.00031%); highest among the groups gnomAD compares: Non-Finnish European, 0.00042%; no homozygotes.

Submission:

Labcorp Genetics (formerly Invitae), Labcorp
Classification: Uncertain significance for Charcot-Marie-Tooth disease axonal type 2O. Last evaluated: 2023-07-13. Review status: criteria provided, single submitter. Criteria: Invitae Variant Classification Sherloc (09022015). Collection method: clinical testing. Allele origin: germline.
Comment: This sequence change replaces arginine, which is basic and polar, with tryptophan, which is neutral and slightly polar, at codon 2396 of the DYNC1H1 protein (p.Arg2396Trp). In summary, the available evidence is currently insufficient to determine the role of this variant in disease. Therefore, it has been classified as a Variant of Uncertain Significance. Advanced modeling of protein sequence and biophysical properties (such as structural, functional, and spatial information, amino acid conservation, physicochemical variation, residue mobility, and thermodynamic stability) performed at Invitae indicates that this missense variant is not expected to disrupt DYNC1H1 protein function. ClinVar contains an entry for this variant (Variation ID: 1400288). This variant has not been reported in the literature in individuals affected with DYNC1H1-related conditions. This variant is not present in population databases (gnomAD no frequency).

NM_001376.5(DYNC1H1):c.7186C>T (p.Arg2396Trp)

Gene: DYNC1H1 (dynein cytoplasmic 1 heavy chain 1; plus strand). Cytogenetic location: 14q32.31.
Variant type: single nucleotide variant.
Coding change: c.7186C>T on transcript NM_001376.5 (MANE Select); coding-DNA position 7186, C replaced by T.
Protein change: p.Arg2396Trp; replaces arginine 2396 with tryptophan.
Molecular consequence: missense variant.
Genome position (GRCh38, 1-based): chr14:102,015,276, C>T. VCF-style: chr14-102015276-C-T. GRCh37 (hg19) VCF-style: chr14-102481613-C-T.
Other names: short protein forms R2396W.
Identifiers: ClinVar variation 1400288 (VCV001400288.6), dbSNP rs763030235, ClinGen allele CA7352753.